The following is an entry in ClinVar:

NM_001042492.3(NF1):c.2755G>A (p.Asp919Asn)

Gene: NF1 (neurofibromin 1; plus strand). Cytogenetic location: 17q11.2.
Variant type: single nucleotide variant.
Coding change: c.2755G>A on transcript NM_001042492.3 (MANE Select); coding-DNA position 2755, G replaced by A.
Protein change: p.Asp919Asn; replaces aspartic acid 919 with asparagine.
Molecular consequence: missense variant.
Genome position (GRCh38, 1-based): chr17:31,229,370, G>A. VCF-style: chr17-31229370-G-A. GRCh37 (hg19) VCF-style: chr17-29556388-G-A.
Other names: c.2755G>A, p.Asp919Asn (NM_000267.4); short protein forms D919N.
Identifiers: ClinVar variation 821768 (VCV000821768.5), dbSNP rs1597715708, ClinGen allele CA398985398.

ClinVar aggregate classification (germline): Uncertain significance. Review status: criteria provided, multiple submitters, no conflicts (2 of 4 stars). 2 submissions from 2 submitters: Uncertain significance (2). Last evaluated 2025-08-29.

Conditions:
Hereditary cancer-predisposing syndrome. Also called: Hereditary Cancer Syndrome; Neoplastic Syndromes, Hereditary; Hereditary neoplastic syndrome; Tumor predisposition. Identifiers: Orphanet 140162, MedGen C0027672, MeSH D009386, MONDO:0015356.
Cardiovascular phenotype. Identifiers: MedGen CN230736.
Neurofibromatosis, type 1 (NF1). Also called: Peripheral type neurofibromatosis; Neurofibromatosis, type I; NEUROFIBROMATOSIS, TYPE I, SOMATIC; VON RECKLINGHAUSEN DISEASE. Identifiers: Orphanet 636, MedGen C0027831, MONDO:0018975, OMIM 162200. Disease mechanism: loss of function.

Submissions (2):

Labcorp Genetics (formerly Invitae), Labcorp
Classification: Uncertain significance for Neurofibromatosis, type 1. Last evaluated: 2025-08-29. Review status: criteria provided, single submitter. Criteria: Invitae Variant Classification Sherloc (09022015). Collection method: clinical testing. Allele origin: germline.
Comment: This sequence change replaces aspartic acid, which is acidic and polar, with asparagine, which is neutral and polar, at codon 919 of the NF1 protein (p.Asp919Asn). This variant is not present in population databases (gnomAD no frequency). This variant has not been reported in the literature in individuals affected with NF1-related conditions. ClinVar contains an entry for this variant (Variation ID: 821768). Invitae Evidence Modeling of protein sequence and biophysical properties (such as structural, functional, and spatial information, amino acid conservation, physicochemical variation, residue mobility, and thermodynamic stability) indicates that this missense variant is expected to disrupt NF1 protein function with a positive predictive value of 95%. In summary, the available evidence is currently insufficient to determine the role of this variant in disease. Therefore, it has been classified as a Variant of Uncertain Significance.

Ambry Genetics
Classification: Uncertain significance for Cardiovascular phenotype; Hereditary cancer-predisposing syndrome. Last evaluated: 2018-10-09. Review status: criteria provided, single submitter. Criteria: Ambry Variant Classification Scheme 2023. Collection method: clinical testing. Allele origin: germline.
Comment: The p.D919N variant (also known as c.2755G>A), located in coding exon 21 of the NF1 gene, results from a G to A substitution at nucleotide position 2755. The aspartic acid at codon 919 is replaced by asparagine, an amino acid with highly similar properties. This amino acid position is highly conserved in available vertebrate species. In addition, the in silico prediction for this alteration is inconclusive. Since supporting evidence is limited at this time, the clinical significance of this alteration remains unclear.